The following is an entry in ClinVar:

NM_016151.4(TAOK2):c.2120G>A (p.Arg707His)

Gene: TAOK2 (TAO kinase 2; plus strand). Cytogenetic location: 16p11.2.
Variant type: single nucleotide variant.
Coding change: c.2120G>A on transcript NM_016151.4 (MANE Select); coding-DNA position 2120, G replaced by A.
Protein change: p.Arg707His; replaces arginine 707 with histidine.
Molecular consequence: missense variant.
Genome position (GRCh38, 1-based): chr16:29,986,392, G>A. VCF-style: chr16-29986392-G-A. GRCh37 (hg19) VCF-style: chr16-29997713-G-A.
Other names: c.2120G>A, p.Arg707His (NM_001252043.2, NM_004783.4); short protein forms R707H.
Identifiers: ClinVar variation 3612492 (VCV003612492.2).

ClinVar aggregate classification (germline): Uncertain significance (1 of 4 stars; one submission).

Submission:

Labcorp Genetics (formerly Invitae), Labcorp
Classification: Uncertain significance. Last evaluated: 2024-07-23. Review status: criteria provided, single submitter. Criteria: Invitae Variant Classification Sherloc (09022015). Collection method: clinical testing. Allele origin: germline.
Comment: This sequence change replaces arginine, which is basic and polar, with histidine, which is basic and polar, at codon 707 of the TAOK2 protein (p.Arg707His). The frequency data for this variant in the population databases is considered unreliable, as metrics indicate poor data quality at this position in the gnomAD database. This variant has not been reported in the literature in individuals affected with TAOK2-related conditions. An algorithm developed to predict the effect of missense changes on protein structure and function (PolyPhen-2) suggests that this variant is likely to be disruptive. In summary, the available evidence is currently insufficient to determine the role of this variant in disease. Therefore, it has been classified as a Variant of Uncertain Significance.